The following is an entry in ClinVar:

ClinVar aggregate classification (germline): Pathogenic (1 of 4 stars; one submission).

Conditions:
Hereditary nonpolyposis colorectal neoplasms. Identifiers: MedGen C0009405, MeSH D003123.

Submission:

Labcorp Genetics (formerly Invitae), Labcorp
Classification: Pathogenic for Hereditary nonpolyposis colorectal neoplasms. Last evaluated: 2024-08-10. Review status: criteria provided, single submitter. Criteria: Invitae Variant Classification Sherloc (09022015). Collection method: clinical testing. Allele origin: germline.
Comment: This sequence change creates a premature translational stop signal (p.His532Argfs*9) in the PMS2 gene. It is expected to result in an absent or disrupted protein product. Loss-of-function variants in PMS2 are known to be pathogenic (PMID: 21376568, 24362816). This variant is not present in population databases (gnomAD no frequency). This variant has not been reported in the literature in individuals affected with PMS2-related conditions. ClinVar contains an entry for this variant (Variation ID: 1995990). For these reasons, this variant has been classified as Pathogenic.

Literature cited by the submitters: PubMed 21376568; PubMed 24362816.

NM_000535.7(PMS2):c.1595_1596del (p.His532fs)

Gene: PMS2 (PMS1 homolog 2, mismatch repair system component; minus strand). Cytogenetic location: 7p22.1.
Variant type: Deletion.
Coding change: c.1595_1596del on transcript NM_000535.7 (MANE Select); coding-DNA positions 1595 to 1596, 2 bases deleted (AT; older notation c.1595_1596delAT).
Protein change: p.His532fs; shifts the reading frame from histidine 532.
Molecular consequence: frameshift variant. On other transcripts: non-coding transcript variant (1).
Genome position (GRCh38, 1-based): chr7:5,987,169-5,987,170, AT deleted on the plus strand (AT on the coding strand, the reverse complement: PMS2 is on the minus strand). VCF-style (leftmost placement, unchanged base first): chr7-5987168-CAT-C. GRCh37 (hg19) VCF-style: chr7-6026799-CAT-C.
Other names: c.1190_1191delAT, p.His397Argfs (NM_001018040.1, NM_001406887.1, NM_001406888.1 and 13 more transcripts); c.1190_1191del, p.His397fs (NM_001322003.2, NM_001322004.2, NM_001322005.2 and 1 more transcripts); c.1439_1440del, p.His480fs (NM_001322006.2); c.1277_1278del, p.His426fs (NM_001322007.2, NM_001322008.2); c.1034_1035del, p.His345fs (NM_001322010.2); c.662_663del, p.His221fs (NM_001322011.2, NM_001322012.2); c.1022_1023del, p.His341fs (NM_001322013.2); c.1595_1596del, p.His532fs (NM_001322014.2); and 19 more; short protein forms H426fs, H429fs, H532fs, H221fs, H341fs, H345fs, H397fs, H480fs.
Identifiers: ClinVar variation 1995990 (VCV001995990.4), dbSNP rs2535764770, ClinGen allele CA2580076902.
Genomic context (GRCh38, chr7:5,987,168, plus strand): 5'-AATGGCAGTCCACATCTGAAAAAGAGTCGTCAGTTTTAGGCGCTTTCTCCTGAGAGTCCA[CAT>C]GTTCCTGCGAGCCCCTGTCCCCTGGGGAGCTGGCCGCATACTCGCTGCTGCAGTGACTGC-3'